The following is an entry in ClinVar:

NM_001378454.1(ALMS1):c.12191A>G (p.Gln4064Arg)

Genes: ALMS1 (ALMS1 centrosome and basal body associated protein; plus strand), LOC126806252 (BRD4-independent group 4 enhancer GRCh37_chr2:73828496-73829695; plus strand). Cytogenetic location: 2p13.1.
Variant type: single nucleotide variant.
Coding change: c.12191A>G on transcript NM_001378454.1 (MANE Select); coding-DNA position 12191, A replaced by G.
Protein change: p.Gln4064Arg; replaces glutamine 4064 with arginine.
Molecular consequence: missense variant.
Genome position (GRCh38, 1-based): chr2:73,602,261, A>G. VCF-style: chr2-73602261-A-G. GRCh37 (hg19) VCF-style: chr2-73829388-A-G.
Other names: c.12194A>G, p.Gln4065Arg (NM_015120.4); short protein forms Q4064R, Q4065R.
Identifiers: ClinVar variation 1461098 (VCV001461098.6), dbSNP rs2104199743, ClinGen allele CA347268042.
Genomic context (GRCh38, chr2:73,602,261, plus strand): 5'-ACAGACCTGACTTCATCTCCCGCTCTGGGGAGCGGATAAAGCGCCTGAAGTTAATAGTCC[A>G]GGAGAGGAAGCTGCAGAGCATGTTACAGACCGAGCGGGATGCACTATTCAACATTGACAG-3'
Protein context (NP_001365383.1, residues 4054-4074): ERIKRLKLIV[Gln4064Arg]ERKLQSMLQT

ClinVar aggregate classification (germline): Uncertain significance (1 of 4 stars; one submission).

Conditions:
Alstrom syndrome (ALMS). Identifiers: Orphanet 64, MedGen C0268425, MONDO:0008763, OMIM 203800.

Allele frequency attached by ClinVar (database versions not stated): gnomAD exomes below 0.00001.
gnomAD v4.1: 3 of 1,614,152 alleles (0.00019%); highest among the groups gnomAD compares: Non-Finnish European, 0.00025%; no homozygotes.

Submission:

Labcorp Genetics (formerly Invitae), Labcorp
Classification: Uncertain significance for Alstrom syndrome. Last evaluated: 2025-03-17. Review status: criteria provided, single submitter. Criteria: Invitae Variant Classification Sherloc (09022015). Collection method: clinical testing. Allele origin: germline.
Comment: This sequence change replaces glutamine with arginine at codon 4065 of the ALMS1 protein (p.Gln4065Arg). The glutamine residue is moderately conserved and there is a small physicochemical difference between glutamine and arginine. This variant is not present in population databases (gnomAD no frequency). This variant has not been reported in the literature in individuals affected with ALMS1-related conditions. ClinVar contains an entry for this variant (Variation ID: 1461098). Experimental studies and prediction algorithms are not available or were not evaluated, and the functional significance of this variant is currently unknown. In summary, the available evidence is currently insufficient to determine the role of this variant in disease. Therefore, it has been classified as a Variant of Uncertain Significance.